The following is an entry in ClinVar:

NM_000264.5(PTCH1):c.3929G>A (p.Gly1310Asp)

Gene: PTCH1 (patched 1; minus strand). Cytogenetic location: 9q22.32.
Variant type: single nucleotide variant.
Coding change: c.3929G>A on transcript NM_000264.5 (MANE Select); coding-DNA position 3929, G replaced by A.
Protein change: p.Gly1310Asp; replaces glycine 1310 with aspartic acid.
Molecular consequence: missense variant. On other transcripts: non-coding transcript variant (1).
Genome position (GRCh38, 1-based): chr9:95,447,327, C>T on the plus strand (G>A on the coding strand, the complement: PTCH1 is on the minus strand). VCF-style: chr9-95447327-C-T. GRCh37 (hg19) VCF-style: chr9-98209609-C-T.
Other names: p.Gly1310Asp; c.3929G>A (NM_000264.3, NM_000264.4); c.3731G>A, p.Gly1244Asp (NM_001083602.3); c.3926G>A, p.Gly1309Asp (NM_001083603.3); c.3476G>A, p.Gly1159Asp (NM_001083604.3, NM_001083605.3, NM_001083606.3 and 1 more transcripts); c.3773G>A, p.Gly1258Asp (NM_001354918.2); short protein forms G1244D, G1309D, G1258D, G1310D, G1159D.
Identifiers: ClinVar variation 659978 (VCV000659978.18), dbSNP rs773043616, ClinGen allele CA374110646.
Genomic context (GRCh38, chr9:95,447,327, plus strand): 5'-TGCCCTTCAGTAGAAATTTCAAAAGCGTCTCTGCGCGGTCTGTAGGGGGGTGGCCACAAG[C>T]CTTCTCTGGGGGGGTCCCTGCGGGGCTGCTGGCCTTGCCGTCCGGGAGGCAGGGACCCTG-3'
Protein context (NP_000255.2, residues 1300-1320): QQPRRDPPRE[Gly1310Asp]LWPPPYRPRR

ClinVar aggregate classification (germline): Conflicting classifications of pathogenicity. Review status: criteria provided, conflicting classifications (1 of 4 stars). 8 submissions from 8 submitters: Uncertain significance (6); Likely benign (2). Last evaluated 2025-12-27.

Conditions:
Hereditary cancer-predisposing syndrome. Also called: Tumor predisposition; Hereditary neoplastic syndrome; Hereditary Cancer Syndrome; Neoplastic Syndromes, Hereditary. Identifiers: Orphanet 140162, MedGen C0027672, MeSH D009386, MONDO:0015356.
Holoprosencephaly 7 (HPE7). Identifiers: Orphanet 2162, MedGen C1835820, MONDO:0012562, OMIM 610828.
Basal cell carcinoma, susceptibility to, 1. Also called: BCC1. Identifiers: MedGen C2751544, MONDO:0011556, OMIM 605462.
Gorlin syndrome. Also called: Basal cell nevus syndrome; Nevoid Basal Cell Carcinoma Syndrome. Identifiers: Orphanet 377, MedGen C0004779, MONDO:0007187.
Pituitary stalk interruption syndrome. Identifiers: Orphanet 95496, MedGen C4053775, MONDO:0019828.
PTCH1-related disorder. Also called: PTCH1-related disorders; PTCH1-related condition.

Allele frequency attached by ClinVar (database versions not stated): gnomAD 0.00002; TOPMed 0.00002.
gnomAD v4.1: 31 of 1,613,294 alleles (0.0019%); highest among the groups gnomAD compares: Non-Finnish European, 0.0025%; no homozygotes.

Submissions (8):

Labcorp Genetics (formerly Invitae), Labcorp
Classification: Likely benign for Gorlin syndrome. Last evaluated: 2025-12-27. Review status: criteria provided, single submitter. Criteria: Invitae Variant Classification Sherloc (09022015). Collection method: clinical testing. Allele origin: germline.

PreventionGenetics, part of Exact Sciences
Classification: Uncertain significance for PTCH1-related condition. Last evaluated: 2025-02-05. Review status: criteria provided, single submitter. Criteria: ACMG Guidelines, 2015. Collection method: clinical testing. Allele origin: germline.
Comment: The PTCH1 c.3929G>A variant is predicted to result in the amino acid substitution p.Gly1310Asp. This variant was reported in an individual with Pituitary stalk interruption syndrome (Brauner et al 2020. PubMed ID: 33270637). This variant is reported in 0.00090% of alleles in individuals of European (Non-Finnish) descent in gnomAD and has conflicting interpretations of pathogenicity in ClinVar ranging from likely benign to uncertain. At this time, the clinical significance of this variant is uncertain due to the absence of conclusive functional and genetic evidence.

Ambry Genetics
Classification: Likely benign for Hereditary cancer-predisposing syndrome. Last evaluated: 2024-08-21. Review status: criteria provided, single submitter. Criteria: Ambry Variant Classification Scheme 2023. Collection method: clinical testing. Allele origin: germline.

Mayo Clinic Laboratories, Mayo Clinic
Classification: Uncertain significance. Last evaluated: 2024-03-13. Review status: criteria provided, single submitter. Criteria: ACMG Guidelines, 2015. Collection method: clinical testing. Allele origin: germline. Observed: 1 variant allele.
Comment: PM2_moderate

Quest Diagnostics Nichols Institute San Juan Capistrano
Classification: Uncertain significance. Last evaluated: 2023-06-10. Review status: criteria provided, single submitter. Criteria: Quest Diagnostics criteria. Collection method: clinical testing. Allele origin: unknown.
Comment: In the published literature, this variant has been reported in a family with pituitary stalk interruption syndrome (PMID: 33270637 (2020)). The frequency of this variant in the general population, 0.0000041 (1/246586 chromosomes (Genome Aggregation Database)), is uninformative in the assessment of its pathogenicity. Analysis of this variant using bioinformatics tools for the prediction of the effect of amino acid changes on protein structure and function yielded conflicting predictions that this variant is benign or damaging. Based on the available information, we are unable to determine the clinical significance of this variant.

GeneDx
Classification: Uncertain significance. Last evaluated: 2023-01-23. Review status: criteria provided, single submitter. Criteria: GeneDx Variant Classification Process June 2021. Collection method: clinical testing. Allele origin: germline. Affected: yes.
Comment: Not observed at significant frequency in large population cohorts (gnomAD); In silico analysis supports that this missense variant does not alter protein structure/function; Observed in an individual with pituitary stalk interruption syndrome (Brauner et al., 2020); This variant is associated with the following publications: (PMID: 29570743, 33270637)

Fulgent Genetics
Classification: Uncertain significance for Basal cell nevus syndrome 1; Basal cell carcinoma, susceptibility to, 1; Holoprosencephaly 7. Last evaluated: 2022-03-07. Review status: criteria provided, single submitter. Criteria: ACMG Guidelines, 2015. Collection method: clinical testing. Allele origin: unknown.

Human Developmental Genetics, Institut Pasteur
Classification: Uncertain significance for Pituitary stalk interruption syndrome. Last evaluated: 2020-04-01. Review status: criteria provided, single submitter. Criteria: ACMG Guidelines, 2015. Collection method: research. Allele origin: unknown. Affected: yes.

Literature cited by the submitters: PubMed 33270637 (cited by Quest Diagnostics Nichols Institute San Juan Capistrano).